The following is an entry in ClinVar:

NM_024007.5(EBF1):c.487C>T (p.Arg163Cys)

Gene: EBF1 (EBF transcription factor 1; minus strand). Cytogenetic location: 5q33.3.
Variant type: single nucleotide variant.
Coding change: c.487C>T on transcript NM_024007.5 (MANE Select); coding-DNA position 487, C replaced by T.
Protein change: p.Arg163Cys; replaces arginine 163 with cysteine.
Molecular consequence: missense variant. On other transcripts: intron variant (1).
Genome position (GRCh38, 1-based): chr5:159,073,463, G>A on the plus strand (C>T on the coding strand, the complement: EBF1 is on the minus strand). VCF-style: chr5-159073463-G-A. GRCh37 (hg19) VCF-style: chr5-158500471-G-A.
Other names: c.373C>T, p.Arg125Cys (NM_001364156.2, NM_001364157.2); c.88C>T, p.Arg30Cys (NM_001364158.2, NM_001364159.2, NM_001324111.2); c.485+11203C>T (NM_182708.3); c.487C>T, p.Arg163Cys (NM_001324107.2, NM_001324108.2, NM_001324109.2 and 5 more transcripts); short protein forms R125C, R163C, R30C.
Identifiers: ClinVar variation 4279743 (VCV004279743.1).

ClinVar aggregate classification (germline): Uncertain significance (1 of 4 stars; one submission).

Submission:

Clinical Genomics Laboratory, Washington University in St. Louis
Classification: Uncertain significance. Last evaluated: 2025-04-10. Review status: criteria provided, single submitter. Criteria: ACMG Guidelines, 2015. Collection method: clinical testing. Allele origin: germline.
Comment: The EBF1 c.487C>T (p.Arg163Cys) variant, to our knowledge, has not been reported in the medical literature. This variant is absent from the general population (gnomAD v.2.1.1), indicating it is not a common variant. Computational predictors indicate that the variant is damaging, evidence that correlates with impact to EBF1 function. Other variants in the same codon (p.Arg163Gln, p.Arg163Leu, p.Arg163Pro, p.Arg163Trp) in a gene of the same family, EBF3, have been reported in individuals with a phenotype of moderate-to-severe neurodevelopmental impairment and scoliosis (Blackburn PR et al., PMID: 28487885; Chao HT et al., PMID: 28017372; Sleven H et al., PMID: 28017370). Due to limited information, the clinical significance of this variant is uncertain.